The following is an entry in ClinVar:

ClinVar aggregate classification (germline): Pathogenic/Likely pathogenic. Review status: no assertion criteria provided (0 of 4 stars). 2 submissions from 2 submitters: Pathogenic (1); Likely pathogenic (1). Last evaluated 2022-06-01.

Conditions:
Snijders blok-fisher syndrome. Identifiers: Orphanet 656135, MedGen C5231424, MONDO:0032830, OMIM 618604.

Submissions (2):

Solve-RD Consortium
Classification: Likely pathogenic for Snijders blok-fisher syndrome. Last evaluated: 2022-06-01. Review status: no assertion criteria provided. Collection method: provider interpretation. Allele origin: inherited. Affected: yes.
Comment: Variant confirmed as disease-causing by referring clinical team

Variant identified during reanalysis of unsolved cases by the Solve-RD project. The Solve-RD project has received funding from the European Union’s Horizon 2020 research and innovation programme under grant agreement No 779257.

OMIM
Classification: Pathogenic for SNIJDERS BLOK-FISHER SYNDROME. Last evaluated: 2019-10-03. Review status: no assertion criteria provided. Collection method: literature only. Allele origin: germline.

Literature cited by the submitters: PubMed 39825153 (cited by Solve-RD Consortium); PubMed 31303265 (cited by OMIM).

NM_006236.3(POU3F3):c.196_197delinsT (p.Asp66fs)

Gene: POU3F3 (POU class 3 homeobox 3; plus strand). Cytogenetic location: 2q12.1.
Variant type: Indel.
Coding change: c.196_197delinsT on transcript NM_006236.3 (MANE Select); coding-DNA positions 196 to 197, GA replaced by T.
Protein change: p.Asp66fs; shifts the reading frame from aspartic acid 66.
Molecular consequence: frameshift variant.
Genome position (GRCh38, 1-based): chr2:104,855,706-104,855,707, GA replaced by T. VCF-style: chr2-104855706-GA-T. GRCh37 (hg19) VCF-style: chr2-105472164-GA-T.
Other names: short protein forms D66fs.
Identifiers: ClinVar variation 691585 (VCV000691585.3), dbSNP rs1573319752, ClinGen allele CA915944095.
Genomic context (GRCh38, chr2:104,855,706, plus strand): 5'-GGCGGGGGCGGCGGCATGCAGCCGGGCAGCGCCGCCGTGACCTCGGGCGCCTACCGGGGG[GA>T]CCCGTCCTCTGTCAAGATGGTCCAGAGCGACTTCATGCAGGGGGCCATGGCCGCCAGCAA-3'